The following is an entry in ClinVar:

NM_177438.3(DICER1):c.2256+3dup

Gene: DICER1 (dicer 1, ribonuclease III; minus strand). Cytogenetic location: 14q32.13.
Variant type: Duplication.
Coding change: c.2256+3dup on transcript NM_177438.3 (MANE Select); 3 bases into the intron after coding-DNA position 2256, one base duplicated (T; older notation c.2256+3dupT).
Molecular consequence: splice donor variant. On other transcripts: nonsense (1).
Genome position (GRCh38, 1-based): chr14:95,111,314, A duplicated on the plus strand (T on the coding strand, the reverse complement: DICER1 is on the minus strand); the first of 2 consecutive A bases (chr14:95,111,314-95,111,315); duplicating either gives the same sequence. VCF-style (leftmost placement, unchanged base first): chr14-95111313-T-TA. GRCh37 (hg19) VCF-style: chr14-95577650-T-TA.
Other names: c.1854dup, p.Ser619Ter (NM_001395698.1); c.2256+3dup (NM_001291628.2, NM_030621.4, NM_001395677.1 and 12 more transcripts); c.1851+3dup (NM_001395690.1, NM_001395687.1, NM_001395689.1 and 2 more transcripts); c.1974+3dup (NM_001395686.1); c.1689+3dup (NM_001395691.1); c.573+3dup (NM_001395697.1); short protein forms S619*.
Identifiers: ClinVar variation 3393364 (VCV003393364.1).
Genomic context (GRCh38, chr14:95,111,313, plus strand): 5'-TTTGATGTAGCGGAAAACAAAGTCAGAAATGCTAGGTTTTTACTCTGTTCTAACCAATAC[T>TA]AACTGCTTTTGGGTAGCACTGCCTTCGTTTCGTGGAACCTGGTCTTCCTGGAACACTGGT-3'

ClinVar aggregate classification (germline): Uncertain significance (1 of 4 stars; one submission).

Conditions:
Hereditary cancer-predisposing syndrome. Also called: Hereditary Cancer Syndrome; Tumor predisposition; Hereditary neoplastic syndrome; Neoplastic Syndromes, Hereditary. Identifiers: Orphanet 140162, MedGen C0027672, MeSH D009386, MONDO:0015356.

Submission:

Hereditary Cancer Group, L’Institut d'Investigació Biomèdica de Bellvitge
Classification: Uncertain significance for Hereditary cancer-predisposing syndrome. Last evaluated: 2024-12-19. Review status: criteria provided, single submitter. Criteria: Hatton et al. (Hum Mutat. 2023). Collection method: clinical testing. Allele origin: germline. Inheritance: Autosomal dominant inheritance. Affected: yes.
Comment: PM2_supporting